The following is an entry in ClinVar:

NM_005422.4(TECTA):c.1320T>C (p.Asp440=)

Genes: TBCEL-TECTA (TBCEL-TECTA readthrough; plus strand), TECTA (tectorin alpha; plus strand). Cytogenetic location: 11q23.3.
Variant type: single nucleotide variant.
Coding change: c.1320T>C on transcript NM_005422.4 (MANE Select); coding-DNA position 1320, T replaced by C.
Protein change: p.Asp440=; no amino-acid change (aspartic acid 440 retained).
Molecular consequence: synonymous variant.
Genome position (GRCh38, 1-based): chr11:121,125,418, T>C. VCF-style: chr11-121125418-T-C. GRCh37 (hg19) VCF-style: chr11-120996127-T-C.
Other names: c.2277T>C, p.Asp759= (NM_001378761.1).
Identifiers: ClinVar variation 178534 (VCV000178534.5), dbSNP rs141488594, ClinGen allele CA182509.

ClinVar aggregate classification (germline): Likely benign. Review status: criteria provided, multiple submitters, no conflicts (2 of 4 stars). 2 submissions from 2 submitters: Likely benign (2). Last evaluated 2017-11-21.

Allele frequency attached by ClinVar (database versions not stated): gnomAD exomes 0.00001 and 0.00004; ExAC 0.00003; ESP Exome Variant Server 0.00008; TOPMed 0.00011; gnomAD 0.00013 and 0.00014; 1000 Genomes Project 0.00020; 1000 Genomes Project 30x 0.00031.
gnomAD v4.1: 37 of 1,614,238 alleles (0.0023%); highest among the groups gnomAD compares: African/African-American, 0.039%; no homozygotes.

Submissions (2):

GeneDx
Classification: Likely benign. Last evaluated: 2017-11-21. Review status: criteria provided, single submitter. Criteria: GeneDx Variant Classification (06012015). Collection method: clinical testing. Allele origin: germline. Affected: yes.
Comment: This variant is considered likely benign or benign based on one or more of the following criteria: it is a conservative change, it occurs at a poorly conserved position in the protein, it is predicted to be benign by multiple in silico algorithms, and/or has population frequency not consistent with disease.

Laboratory for Molecular Medicine, Mass General Brigham Personalized Medicine
Classification: Likely benign. Last evaluated: 2012-04-30. Review status: criteria provided, single submitter. Criteria: LMM Criteria. Collection method: clinical testing. Allele origin: germline. Observed: 1 variant allele.
Comment: Asp440Asp in Exon 07 of TECTA: This variant is not expected to have clinical sig nificance because it does not alter an amino acid residue, is not located within the splice consensus sequence, and has been identified in 1/3738 African Americ an chromosomes from a broad population by the NHLBI Exome Sequencing Project (dbSNP rs141488594).